The following is an entry in ClinVar:

ClinVar aggregate classification (germline): Uncertain significance (1 of 4 stars; one submission).

Conditions:
Cardiovascular phenotype. Identifiers: MedGen CN230736.

Submission:

Ambry Genetics
Classification: Uncertain significance for Cardiovascular phenotype. Last evaluated: 2022-05-02. Review status: criteria provided, single submitter. Criteria: Ambry Variant Classification Scheme 2023. Collection method: clinical testing. Allele origin: germline.
Comment: The p.G565V variant (also known as c.1694G>T), located in coding exon 11 of the LMF1 gene, results from a G to T substitution at nucleotide position 1694. The glycine at codon 565 is replaced by valine, an amino acid with dissimilar properties. This amino acid position is conserved. In addition, this alteration is predicted to be tolerated by in silico analysis. Since supporting evidence is limited at this time, the clinical significance of this alteration remains unclear.

NM_022773.4(LMF1):c.1694G>T (p.Gly565Val)

Gene: LMF1 (lipase maturation factor 1; minus strand). Cytogenetic location: 16p13.3.
Variant type: single nucleotide variant.
Coding change: c.1694G>T on transcript NM_022773.4 (MANE Select); coding-DNA position 1694, G replaced by T.
Protein change: p.Gly565Val; replaces glycine 565 with valine.
Molecular consequence: missense variant. On other transcripts: synonymous variant (1), non-coding transcript variant (1).
Genome position (GRCh38, 1-based): chr16:854,542, C>A on the plus strand (G>T on the coding strand, the complement: LMF1 is on the minus strand). VCF-style: chr16-854542-C-A. GRCh37 (hg19) VCF-style: chr16-904542-C-A.
Other names: c.1043G>T, p.Gly348Val (NM_001352017.2, NM_001352021.2); c.1295G>T, p.Gly432Val (NM_001352018.2); c.1367G>T, p.Gly456Val (NM_001352019.2); c.1614G>T, p.Arg538= (NM_001352020.1); short protein forms G565V, G348V, G456V, G432V.
Identifiers: ClinVar variation 1778206 (VCV001778206.2), dbSNP rs750381542, ClinGen allele CA394114354.
Genomic context (GRCh38, chr16:854,542, plus strand): 5'-TTGCTGAGCCGCCGAGGGGCTGGGTCTTCGCCTTTATTTCTGGTGCACGTCTAGAGGGGC[C>A]CGGGCAGAGGCCACCCACGGTCCCTGAAGTAGGGCCTCAGCTCCTCCAGGCTGAGCGGAG-3'
Protein context (NP_073610.2, residues 555-567): YFRDRGWPLP[Gly565Val]PL